The following is an entry in ClinVar:

ClinVar aggregate classification (germline): Uncertain significance (1 of 4 stars; one submission).

Allele frequency attached by ClinVar (database versions not stated): gnomAD exomes below 0.00001.
gnomAD v4.1: 1 of 1,574,648 alleles (0.000064%); no homozygotes.

Submission:

Labcorp Genetics (formerly Invitae), Labcorp
Classification: Uncertain significance. Last evaluated: 2022-03-20. Review status: criteria provided, single submitter. Criteria: Invitae Variant Classification Sherloc (09022015). Collection method: clinical testing. Allele origin: germline.
Comment: This sequence change falls in intron 14 of the RIMS1 gene. It does not directly change the encoded amino acid sequence of the RIMS1 protein. It affects a nucleotide within the consensus splice site. This variant has not been reported in the literature in individuals affected with RIMS1-related conditions. In summary, the available evidence is currently insufficient to determine the role of this variant in disease. Therefore, it has been classified as a Variant of Uncertain Significance. Variants that disrupt the consensus splice site are a relatively common cause of aberrant splicing (PMID: 17576681, 9536098). Algorithms developed to predict the effect of sequence changes on RNA splicing suggest that this variant is not likely to affect RNA splicing. This variant is not present in population databases (gnomAD no frequency).

Literature cited by the submitters: PubMed 17576681; PubMed 9536098.

NM_014989.7(RIMS1):c.2544+3G>A

Gene: RIMS1 (regulating synaptic membrane exocytosis 1; plus strand). Cytogenetic location: 6q13.
Variant type: single nucleotide variant.
Coding change: c.2544+3G>A on transcript NM_014989.7 (MANE Select); 3 bases into the intron after coding-DNA position 2544, G replaced by A.
Molecular consequence: intron variant.
Genome position (GRCh38, 1-based): chr6:72,251,095, G>A. VCF-style: chr6-72251095-G-A. GRCh37 (hg19) VCF-style: chr6-72960798-G-A.
Other names: c.897+3G>A (NM_001350428.2, NM_001350459.2, NM_001350424.2 and 6 more transcripts); c.966+3G>A (NM_001350458.2, NM_001350433.2, NM_001350446.2 and 37 more transcripts); c.723+3G>A (NM_001350469.2, NM_001168409.2, NM_001350466.2 and 6 more transcripts); c.921+3G>A (NM_001350470.2, NM_001168410.2, NM_001350473.2 and 2 more transcripts).
Identifiers: ClinVar variation 1962031 (VCV001962031.5), dbSNP rs2552101214, ClinGen allele CA2580075732.